The following is an entry in ClinVar:

ClinVar aggregate classification (germline): Conflicting classifications of pathogenicity. Review status: criteria provided, conflicting classifications (1 of 4 stars). 4 submissions from 4 submitters: Uncertain significance (3); Likely benign (1). Last evaluated 2026-09-01.

Conditions:
Inborn genetic diseases. Identifiers: MedGen C0950123, MeSH D030342.
CEP78-related disorder. Also called: CEP78-related condition.

Allele frequency attached by ClinVar (database versions not stated): gnomAD exomes 0.00002 and 0.00009; TOPMed 0.00002; ExAC 0.00003; gnomAD 0.00005.
gnomAD v4.1: 36 of 1,608,476 alleles (0.0022%); highest among the groups gnomAD compares: Admixed American, 0.059%; no homozygotes.

Submissions (4):

PreventionGenetics, part of Exact Sciences
Classification: Uncertain significance for CEP78-related condition. Last evaluated: 2026-09-01. Review status: criteria provided, single submitter. Criteria: ACMG Guidelines, 2015. Collection method: clinical testing. Allele origin: germline.
Comment: The CEP78 c.1535C>G variant is predicted to result in the amino acid substitution p.Thr512Arg. To our knowledge, this variant has not been reported in the literature. This variant is reported in 0.065% of alleles in individuals of Latino descent in gnomAD. Although we suspect that this variant may be benign, at this time, the clinical significance of this variant is uncertain due to the absence of conclusive functional and genetic evidence.

Labcorp Genetics (formerly Invitae), Labcorp
Classification: Uncertain significance. Last evaluated: 2025-12-08. Review status: criteria provided, single submitter. Criteria: Invitae Variant Classification Sherloc (09022015). Collection method: clinical testing. Allele origin: germline.
Comment: This sequence change replaces threonine, which is neutral and polar, with arginine, which is basic and polar, at codon 512 of the CEP78 protein (p.Thr512Arg). This variant is present in population databases (rs764851727, gnomAD 0.07%). This variant has not been reported in the literature in individuals affected with CEP78-related conditions. ClinVar contains an entry for this variant (Variation ID: 934945). Invitae Evidence Modeling of protein sequence and biophysical properties (such as structural, functional, and spatial information, amino acid conservation, physicochemical variation, residue mobility, and thermodynamic stability) indicates that this missense variant is not expected to disrupt CEP78 protein function with a negative predictive value of 80%. In summary, the available evidence is currently insufficient to determine the role of this variant in disease. Therefore, it has been classified as a Variant of Uncertain Significance.

Ambry Genetics
Classification: Uncertain significance for Inborn genetic diseases. Last evaluated: 2025-01-21. Review status: criteria provided, single submitter. Criteria: Ambry Variant Classification Scheme 2023. Collection method: clinical testing. Allele origin: germline.

Blueprint Genetics
Classification: Likely benign. Last evaluated: 2023-08-09. Review status: criteria provided, single submitter. Criteria: ACMG Guidelines, 2015. Collection method: clinical testing. Allele origin: germline.

NM_001330691.3(CEP78):c.1532C>G (p.Thr511Arg)

Gene: CEP78 (centrosomal protein 78; plus strand). Cytogenetic location: 9q21.2.
Variant type: single nucleotide variant.
Coding change: c.1532C>G on transcript NM_001330691.3 (MANE Select); coding-DNA position 1532, C replaced by G.
Protein change: p.Thr511Arg; replaces threonine 511 with arginine.
Molecular consequence: missense variant.
Genome position (GRCh38, 1-based): chr9:78,264,223, C>G. VCF-style: chr9-78264223-C-G. GRCh37 (hg19) VCF-style: chr9-80879139-C-G.
Other names: c.1535C>G, p.Thr512Arg (NM_001098802.3, NM_001349839.2, NM_001349840.2 and 1 more transcripts); c.1532C>G, p.Thr511Arg (NM_001330693.3, NM_001330694.2, NM_001349838.2); short protein forms T511R, T512R.
Identifiers: ClinVar variation 934945 (VCV000934945.10), dbSNP rs764851727, ClinGen allele CA5095284.